The following is an entry in ClinVar:

NM_012472.6(DNAAF11):c.1140+3A>G

Gene: DNAAF11 (dynein axonemal assembly factor 11; minus strand). Cytogenetic location: 8q24.22.
Variant type: single nucleotide variant.
Coding change: c.1140+3A>G on transcript NM_012472.6 (MANE Select); 3 bases into the intron after coding-DNA position 1140, A replaced by G.
Molecular consequence: intron variant.
Genome position (GRCh38, 1-based): chr8:132,610,163, T>C on the plus strand (A>G on the coding strand, the complement: DNAAF11 is on the minus strand). VCF-style: chr8-132610163-T-C. GRCh37 (hg19) VCF-style: chr8-133622409-T-C.
Other names: c.894+3A>G (NM_001321962.2); c.1080+3A>G (NM_001321961.2); c.720+3A>G (NM_001321966.2); c.780+3A>G (NM_001321963.2, NM_001321964.2, NM_001321965.2).
Identifiers: ClinVar variation 1681027 (VCV001681027.4), dbSNP rs1818509261, ClinGen allele CA1820850605.

ClinVar aggregate classification (germline): Uncertain significance (1 of 4 stars; one submission).

Conditions:
Primary ciliary dyskinesia 19. Also called: CILIARY DYSKINESIA, PRIMARY, 19, WITH OR WITHOUT SITUS INVERSUS. Identifiers: Orphanet 244, MedGen C3543826, MONDO:0013979, OMIM 614935.

Allele frequency attached by ClinVar (database versions not stated): gnomAD exomes below 0.00001.
gnomAD v4.1: 2 of 1,610,908 alleles (0.00012%); highest among the groups gnomAD compares: Non-Finnish European, 0.000085%; no homozygotes.

Submission:

Labcorp Genetics (formerly Invitae), Labcorp
Classification: Uncertain significance for Primary ciliary dyskinesia 19. Last evaluated: 2025-07-10. Review status: criteria provided, single submitter. Criteria: Invitae Variant Classification Sherloc (09022015). Collection method: clinical testing. Allele origin: germline.
Comment: This sequence change falls in intron 10 of the LRRC6 gene. It does not directly change the encoded amino acid sequence of the LRRC6 protein. It affects a nucleotide within the consensus splice site. This variant is not present in population databases (gnomAD no frequency). This variant has not been reported in the literature in individuals affected with LRRC6-related conditions. ClinVar contains an entry for this variant (Variation ID: 1681027). Variants that disrupt the consensus splice site are a relatively common cause of aberrant splicing (PMID: 17576681, 9536098). Algorithms developed to predict the effect of sequence changes on RNA splicing suggest that this variant is not likely to affect RNA splicing. In summary, the available evidence is currently insufficient to determine the role of this variant in disease. Therefore, it has been classified as a Variant of Uncertain Significance.

Literature cited by the submitters: PubMed 17576681; PubMed 9536098.